The following is an entry in ClinVar:

ClinVar aggregate classification (germline): Likely benign. Review status: criteria provided, multiple submitters, no conflicts (2 of 4 stars). 4 submissions from 4 submitters: Likely benign (4). Last evaluated 2025-10-28.

Conditions:
Cardiovascular phenotype. Identifiers: MedGen CN230736.
Hypertrophic cardiomyopathy 10. Also called: MYL2-Related Familial Hypertrophic Cardiomyopathy; CARDIOMYOPATHY, HYPERTROPHIC, MID-LEFT VENTRICULAR CHAMBER TYPE, 2. Identifiers: MedGen C1834460, MONDO:0012112, OMIM 608758.
MYL2-related disorder. Also called: MYL2-related condition; MYL2-related disease; MYL2-related disorders.
Cardiomyopathy (CMYO). Also called: Cardiomyopathies. Identifiers: Orphanet 167848, MedGen C0878544, MONDO:0004994, HP:0001638. Inheritance: Various modes of inheritance.

Allele frequency attached by ClinVar (database versions not stated): TOPMed 0.00001; gnomAD 0.00002.
gnomAD v4.1: 3 of 1,613,948 alleles (0.00019%); highest among the groups gnomAD compares: African/African-American, 0.004%; no homozygotes.

Submissions (4):

PreventionGenetics, part of Exact Sciences
Classification: Likely benign for MYL2-related condition. Last evaluated: 2025-10-28. Review status: criteria provided, single submitter. Criteria: ACMG Guidelines, 2015. Collection method: clinical testing. Allele origin: germline.
Comment: This variant is classified as likely benign based on ACMG/AMP sequence variant interpretation guidelines (Richards et al. 2015 PMID: 25741868, with internal and published modifications).

Labcorp Genetics (formerly Invitae), Labcorp
Classification: Likely benign for Hypertrophic cardiomyopathy 10. Last evaluated: 2023-05-22. Review status: criteria provided, single submitter. Criteria: Invitae Variant Classification Sherloc (09022015). Collection method: clinical testing. Allele origin: germline.

Ambry Genetics
Classification: Likely benign for Cardiovascular phenotype. Last evaluated: 2021-04-28. Review status: criteria provided, single submitter. Criteria: Ambry Variant Classification Scheme 2023. Collection method: clinical testing. Allele origin: germline.

Color Diagnostics, LLC DBA Color Health
Classification: Likely benign for Cardiomyopathy. Last evaluated: 2020-02-18. Review status: criteria provided, single submitter. Criteria: ACMG Guidelines, 2015. Collection method: clinical testing. Allele origin: germline.

NM_000432.4(MYL2):c.474C>T (p.Ile158=)

Gene: MYL2 (myosin light chain 2; minus strand). Cytogenetic location: 12q24.11.
Variant type: single nucleotide variant.
Coding change: c.474C>T on transcript NM_000432.4 (MANE Select); coding-DNA position 474, C replaced by T.
Protein change: p.Ile158=; no amino-acid change (isoleucine 158 retained).
Molecular consequence: synonymous variant.
Genome position (GRCh38, 1-based): chr12:110,911,104, G>A on the plus strand (C>T on the coding strand, the complement: MYL2 is on the minus strand). VCF-style: chr12-110911104-G-A. GRCh37 (hg19) VCF-style: chr12-111348908-G-A.
Identifiers: ClinVar variation 924720 (VCV000924720.15), dbSNP rs1423130699, ClinGen allele CA481750686.
Genomic context (GRCh38, chr12:110,911,104, plus strand): 5'-AGACGAGCCCAGGGCGCAGCAGCGAGCCCCCTCCTAGTCCTTCTCTTCTCCGTGGGTGAT[G>A]ATGTGCACCAGGTTCTTGTAGTCCAAGTTGCCAGTCACGTCAGGGGGGAAGGCGGCGAAC-3'
Protein context (NP_000423.2, residues 148-166): GNLDYKNLVH[Ile158=]ITHGEEKD